The following is an entry in ClinVar:

ClinVar aggregate classification (germline): Uncertain significance (1 of 4 stars; one submission).

Allele frequency attached by ClinVar (database versions not stated): gnomAD exomes below 0.00001; TOPMed below 0.00001.
gnomAD v4.1: 1 of 1,613,570 alleles (0.000062%); highest among the groups gnomAD compares: Non-Finnish European, 0.000085%; no homozygotes.

Submission:

GeneDx
Classification: Uncertain significance. Last evaluated: 2023-03-29. Review status: criteria provided, single submitter. Criteria: GeneDx Variant Classification Process June 2021. Collection method: clinical testing. Allele origin: germline. Affected: yes.
Comment: Not observed at significant frequency in large population cohorts (gnomAD); Has not been previously published as pathogenic or benign to our knowledge; In silico analysis is inconclusive as to whether the variant alters gene splicing; in the absence of RNA/functional studies, the actual effect of this sequence change is unknown

NM_000094.4(COL7A1):c.2440+3A>G

Gene: COL7A1 (collagen type VII alpha 1 chain; minus strand). Cytogenetic location: 3p21.31.
Variant type: single nucleotide variant.
Coding change: c.2440+3A>G on transcript NM_000094.4 (MANE Select); 3 bases into the intron after coding-DNA position 2440, A replaced by G.
Molecular consequence: intron variant.
Genome position (GRCh38, 1-based): chr3:48,588,867, T>C on the plus strand (A>G on the coding strand, the complement: COL7A1 is on the minus strand). VCF-style: chr3-48588867-T-C. GRCh37 (hg19) VCF-style: chr3-48626300-T-C.
Identifiers: ClinVar variation 2582166 (VCV002582166.1), dbSNP rs2045486359, ClinGen allele CA1363090260.